The following is an entry in ClinVar:

ClinVar aggregate classification (germline): Uncertain significance. Review status: criteria provided, multiple submitters, no conflicts (2 of 4 stars). 4 submissions from 4 submitters: Uncertain significance (4). Last evaluated 2025-08-08.

Conditions:
Renal hypomagnesemia 4. Also called: HYPOMAGNESEMIA, RENAL, NORMOCALCIURIC. Identifiers: Orphanet 34527, MedGen C2673648, MONDO:0012717, OMIM 611718.

Allele frequency attached by ClinVar (database versions not stated): ExAC 0.00002; gnomAD exomes 0.00002 and 0.00003; gnomAD 0.00012 and 0.00014; TOPMed 0.00015.
gnomAD v4.1: 45 of 1,614,046 alleles (0.0028%); highest among the groups gnomAD compares: African/African-American, 0.053%; no homozygotes.

Submissions (4):

Labcorp Genetics (formerly Invitae), Labcorp
Classification: Uncertain significance. Last evaluated: 2025-08-08. Review status: criteria provided, single submitter. Criteria: Invitae Variant Classification Sherloc (09022015). Collection method: clinical testing. Allele origin: germline.
Comment: This sequence change replaces valine, which is neutral and non-polar, with leucine, which is neutral and non-polar, at codon 562 of the EGF protein (p.Val562Leu). This variant is present in population databases (rs769513396, gnomAD 0.04%). This variant has not been reported in the literature in individuals affected with EGF-related conditions. ClinVar contains an entry for this variant (Variation ID: 903650). An algorithm developed to predict the effect of missense changes on protein structure and function (PolyPhen-2) suggests that this variant is likely to be tolerated. In summary, the available evidence is currently insufficient to determine the role of this variant in disease. Therefore, it has been classified as a Variant of Uncertain Significance.

Ambry Genetics
Classification: Uncertain significance. Last evaluated: 2022-07-20. Review status: criteria provided, single submitter. Criteria: Ambry Variant Classification Scheme 2023. Collection method: clinical testing. Allele origin: germline.

Fulgent Genetics
Classification: Uncertain significance for Renal hypomagnesemia 4. Last evaluated: 2022-05-03. Review status: criteria provided, single submitter. Criteria: ACMG Guidelines, 2015. Collection method: clinical testing. Allele origin: unknown.

Illumina Laboratory Services, Illumina
Classification: Uncertain significance for Renal hypomagnesemia 4. Last evaluated: 2018-01-12. Review status: criteria provided, single submitter. Criteria: ICSL Variant Classification Criteria 13 December 2019. Collection method: clinical testing. Allele origin: germline.

NM_001963.6(EGF):c.1684G>C (p.Val562Leu)

Gene: EGF (epidermal growth factor; plus strand). Cytogenetic location: 4q25.
Variant type: single nucleotide variant.
Coding change: c.1684G>C on transcript NM_001963.6 (MANE Select); coding-DNA position 1684, G replaced by C.
Protein change: p.Val562Leu; replaces valine 562 with leucine.
Molecular consequence: missense variant.
Genome position (GRCh38, 1-based): chr4:109,969,079, G>C. VCF-style: chr4-109969079-G-C. GRCh37 (hg19) VCF-style: chr4-110890235-G-C.
Other names: c.1684G>C, p.Val562Leu (NM_001178130.3); c.1558G>C, p.Val520Leu (NM_001178131.3, NM_001357021.2); short protein forms V562L, V520L.
Identifiers: ClinVar variation 903650 (VCV000903650.13), dbSNP rs769513396, ClinGen allele CA3043754.